The following is an entry in ClinVar:

NM_005149.3(TBX19):c.-3C>T

Gene: TBX19 (T-box transcription factor 19; plus strand). Cytogenetic location: 1q24.2.
Variant type: single nucleotide variant.
Coding change: c.-3C>T on transcript NM_005149.3 (MANE Select); 3 bases upstream of the start codon, C replaced by T.
Molecular consequence: 5 prime UTR variant.
Genome position (GRCh38, 1-based): chr1:168,281,088, C>T. VCF-style: chr1-168281088-C-T. GRCh37 (hg19) VCF-style: chr1-168250326-C-T.
Identifiers: ClinVar variation 3034929 (VCV003034929.2), dbSNP rs367613004, ClinGen allele CA1230376.

ClinVar aggregate classification (germline): Likely benign (0 of 4 stars; one submission).

Conditions:
TBX19-related disorder. Also called: TBX19-related condition.

Allele frequency attached by ClinVar (database versions not stated): gnomAD exomes 0.00001; ExAC 0.00002; TOPMed 0.00006; gnomAD 0.00009; ESP Exome Variant Server 0.00015.
gnomAD v4.1: 21 of 1,613,910 alleles (0.0013%); highest among the groups gnomAD compares: African/African-American, 0.025%; no homozygotes.

Submission:

PreventionGenetics, part of Exact Sciences
Classification: Likely benign for TBX19-related condition. Last evaluated: 2019-08-09. Review status: no assertion criteria provided. Collection method: clinical testing. Allele origin: germline.
Comment: This variant is classified as likely benign based on ACMG/AMP sequence variant interpretation guidelines (Richards et al. 2015 PMID: 25741868, with internal and published modifications).